The following is an entry in ClinVar:

NM_001330311.2(DVL1):c.284G>A (p.Gly95Asp)

Gene: DVL1 (dishevelled segment polarity protein 1; minus strand). Cytogenetic location: 1p36.33.
Variant type: single nucleotide variant.
Coding change: c.284G>A on transcript NM_001330311.2 (MANE Select); coding-DNA position 284, G replaced by A.
Protein change: p.Gly95Asp; replaces glycine 95 with aspartic acid.
Molecular consequence: missense variant.
Genome position (GRCh38, 1-based): chr1:1,342,441, C>T on the plus strand (G>A on the coding strand, the complement: DVL1 is on the minus strand). VCF-style: chr1-1342441-C-T. GRCh37 (hg19) VCF-style: chr1-1277821-C-T.
Other names: c.284G>A, p.Gly95Asp (NM_004421.3); short protein forms G95D.
Identifiers: ClinVar variation 2638005 (VCV002638005.24), dbSNP rs1352811500, ClinGen allele CA337876015.

ClinVar aggregate classification (germline): Uncertain significance (1 of 4 stars; one submission).

Submission:

CeGaT Center for Human Genetics Tuebingen
Classification: Uncertain significance. Last evaluated: 2023-08-01. Review status: criteria provided, single submitter. Criteria: CeGaT Center For Human Genetics Tuebingen Variant Classification Criteria Version 2. Collection method: clinical testing. Allele origin: germline. Affected: yes. Observed: 1 variant allele.
Comment: DVL1: PM2